The following is an entry in ClinVar:

ClinVar aggregate classification (germline): Uncertain significance. Review status: criteria provided, multiple submitters, no conflicts (2 of 4 stars). 2 submissions from 2 submitters: Uncertain significance (2). Last evaluated 2026-06-30.

Conditions:
Inborn genetic diseases. Identifiers: MedGen C0950123, MeSH D030342.
PCNT-related disorder. Also called: PCNT-related condition.

gnomAD v4.1: 21 of 1,613,068 alleles (0.0013%); highest among the groups gnomAD compares: Non-Finnish European, 0.0017%; no homozygotes.

Submissions (3):

PreventionGenetics, part of Exact Sciences
Classification: Uncertain significance for PCNT-related condition. Last evaluated: 2026-06-30. Review status: criteria provided, single submitter. Criteria: ACMG Guidelines, 2015. Collection method: clinical testing. Allele origin: germline.
Comment: The PCNT c.1405C>T variant is predicted to result in the amino acid substitution p.Arg469Cys. To our knowledge, this variant has not been reported in the literature. This variant is reported in 0.0046% of alleles in individuals of European (Non-Finnish) descent in gnomAD. At this time, the clinical significance of this variant is uncertain due to the absence of conclusive functional and genetic evidence.

Ambry Genetics
Classification: Uncertain significance for Inborn genetic diseases. Last evaluated: 2024-11-11. Review status: criteria provided, single submitter. Criteria: Ambry Variant Classification Scheme 2023. Collection method: clinical testing. Allele origin: germline.

Dr. Peter K. Rogan Lab, Western University
No classification provided (evidence only). Condition: Melanoma. Review status: no classification provided. Collection method: in vitro. Allele origin: not applicable. Functional consequence: skipped exon. Not counted in ClinVar's aggregate classification.

NM_006031.6(PCNT):c.1405C>T (p.Arg469Cys)

Gene: PCNT (pericentrin; plus strand). Cytogenetic location: 21q22.3.
Variant type: single nucleotide variant.
Coding change: c.1405C>T on transcript NM_006031.6 (MANE Select); coding-DNA position 1405, C replaced by T.
Protein change: p.Arg469Cys; replaces arginine 469 with cysteine.
Molecular consequence: missense variant.
Genome position (GRCh38, 1-based): chr21:46,351,489, C>T. VCF-style: chr21-46351489-C-T. GRCh37 (hg19) VCF-style: chr21-47771403-C-T.
Other names: NC_000021.8:g.47771403C>T; c.1051C>T, p.Arg351Cys (NM_001315529.2); short protein forms R469C, R351C.
Identifiers: ClinVar variation 3415860 (VCV003415860.3).